The following is an entry in ClinVar:

ClinVar aggregate classification (germline): Likely benign. Review status: criteria provided, single submitter (1 of 4 stars). 2 submissions from 2 submitters: Likely benign (1). 1 of the submissions does not count toward it. Last evaluated 2024-03-19.

Conditions:
Hereditary cancer-predisposing syndrome. Also called: Tumor predisposition; Hereditary neoplastic syndrome; Hereditary Cancer Syndrome; Neoplastic Syndromes, Hereditary. Identifiers: Orphanet 140162, MedGen C0027672, MeSH D009386, MONDO:0015356.

Submissions (2):

Institute for Biomarker Research, Medical Diagnostic Laboratories, L.L.C.
Classification: Likely benign for Hereditary cancer-predisposing syndrome. Last evaluated: 2024-03-19. Review status: criteria provided, single submitter. Criteria: ACMG Guidelines, 2015. Collection method: clinical testing. Allele origin: germline.

Department of Pathology and Laboratory Medicine, Sinai Health System
Classification: Benign. Review status: no assertion criteria provided. Collection method: clinical testing. Allele origin: unknown. Affected: yes. Study: The Canadian Open Genetics Repository (COGR). Not counted in ClinVar's aggregate classification.
Comment: Gnom AD population frequency 44%

NM_000535.7(PMS2):c.706-7_706-4del

Gene: PMS2 (PMS1 homolog 2, mismatch repair system component; minus strand). Cytogenetic location: 7p22.1.
Variant type: Deletion.
Coding change: c.706-7_706-4del on transcript NM_000535.7 (MANE Select); 7 bases into the intron before coding-DNA position 706 through 4 bases into the intron before coding-DNA position 706, 4 bases deleted (TTTT; older notation c.706-7_706-4delTTTT).
Molecular consequence: intron variant.
Genome position (GRCh38, 1-based): chr7:5,997,427-5,997,430, AAAA deleted on the plus strand (TTTT on the coding strand, the reverse complement: PMS2 is on the minus strand); deleting any 4 consecutive bases within chr7:5,997,427-5,997,443 gives the same sequence; the c. name uses the placement nearest the transcript's 3' end. VCF-style (leftmost placement, unchanged base first): chr7-5997426-GAAAA-G. GRCh37 (hg19) VCF-style: chr7-6037057-GAAAA-G.
Other names: c.388-7_388-4del (NM_001322008.2, NM_001322007.2); c.301-7_301-4del (NM_001322010.2, NM_001322004.2, NM_001322003.2 and 2 more transcripts); c.133-7_133-4del (NM_001322013.2); c.-228-7_-228-4del (NM_001322012.2, NM_001322011.2); c.397-7_397-4del (NM_001322015.2); c.706-7_706-4del (NM_001322006.2, NM_001322014.2); c.706-7_706-4delTTTT (NM_001322014.2).
Identifiers: ClinVar variation 1049771 (VCV001049771.2), dbSNP rs60794673, ClinGen allele CA051265.